The following is an entry in ClinVar:

ClinVar aggregate classification (germline): Uncertain significance (1 of 4 stars; one submission).

Conditions:
Dyskeratosis congenita, autosomal dominant 1 (DKCA1). Also called: Dyskeratosis congenita Scoggins type. Identifiers: Orphanet 1775, MedGen C4551974, MONDO:0007485, OMIM 127550. Inheritance: Variable.

Allele frequency attached by ClinVar (database versions not stated): gnomAD exomes below 0.00001.
gnomAD v4.1: 2 of 755,210 alleles (0.00026%); highest among the groups gnomAD compares: Admixed American, 0.0017%; no homozygotes.

Submission:

Labcorp Genetics (formerly Invitae), Labcorp
Classification: Uncertain significance for Dyskeratosis congenita, autosomal dominant 1. Last evaluated: 2024-11-16. Review status: criteria provided, single submitter. Criteria: Invitae Variant Classification Sherloc (09022015). Collection method: clinical testing. Allele origin: germline.
Comment: This variant occurs in the TERC gene, which encodes an RNA molecule that does not result in a protein product. The frequency data for this variant in the population databases is considered unreliable, as metrics indicate poor data quality at this position in the gnomAD database. This variant has not been reported in the literature in individuals affected with TERC-related conditions. ClinVar contains an entry for this variant (Variation ID: 1389877). This variant is located within the hypervariable region that is not conserved in the TERC RNA component (PMID: 10721988, 21844345). The functional significance of this region is not well understood. In summary, the available evidence is currently insufficient to determine the role of this variant in disease. Therefore, it has been classified as a Variant of Uncertain Significance.

Literature cited by the submitters: PubMed 10721988; PubMed 21844345.

NC_000003.12:g.169764863G>A

Genes: TERC (telomerase RNA component; minus strand), LOC110806306 (telomerase RNA component (TERC) promoter; plus strand). Cytogenetic location: 3q26.2.
Variant type: single nucleotide variant.
Genome position: GRCh38 VCF-style: chr3-169764863-G-A. GRCh37 (hg19) VCF-style: chr3-169482651-G-A.
Identifiers: ClinVar variation 1389877 (VCV001389877.8), dbSNP rs1191661277, ClinGen allele CA436715440.